The following is an entry in ClinVar:

NM_001148.6(ANK2):c.10060C>G (p.Leu3354Val)

Gene: ANK2 (ankyrin 2; plus strand). Cytogenetic location: 4q26.
Variant type: single nucleotide variant.
Coding change: c.10060C>G on transcript NM_001148.6 (MANE Select); coding-DNA position 10060, C replaced by G.
Protein change: p.Leu3354Val; replaces leucine 3354 with valine.
Molecular consequence: missense variant. On other transcripts: intron variant (68).
Genome position (GRCh38, 1-based): chr4:113,358,678, C>G. VCF-style: chr4-113358678-C-G. GRCh37 (hg19) VCF-style: chr4-114279834-C-G.
Other names: c.4406-2145C>G (NM_001354230.2); c.4469-2145C>G (NM_001354231.2, NM_001354242.2); c.4472-2145C>G (NM_001386144.1, NM_001354240.2, NM_001354241.2); c.1991-2145C>G (NM_001354279.2, NM_001354282.2); c.1976-2145C>G (NM_001354280.2); c.1955-2145C>G (NM_001354278.2, NM_001354281.2); c.827-2145C>G (NM_001386167.1); c.9826C>G, p.Leu3276Val (NM_001386142.1); and 35 more; short protein forms L2154V, L3393V, L3276V, L3401V, L3354V.
Identifiers: ClinVar variation 1409150 (VCV001409150.8), dbSNP rs1564061618, ClinGen allele CA357939594.

ClinVar aggregate classification (germline): Conflicting classifications of pathogenicity. Review status: criteria provided, conflicting classifications (1 of 4 stars). 2 submissions from 2 submitters: Uncertain significance (1); Likely benign (1). Last evaluated 2025-03-11.

Conditions:
Cardiovascular phenotype. Identifiers: MedGen CN230736.
Long QT syndrome (LQTS). Identifiers: MedGen C0023976, MeSH D008133, MONDO:0002442. Disease mechanism: loss of function. Inheritance: Various modes of inheritance.

Allele frequency attached by ClinVar (database versions not stated): gnomAD 0.00001.
gnomAD v4.1: 12 of 1,613,932 alleles (0.00074%); highest among the groups gnomAD compares: Non-Finnish European, 0.001%; no homozygotes.

Submissions (2):

Labcorp Genetics (formerly Invitae), Labcorp
Classification: Uncertain significance for Long QT syndrome. Last evaluated: 2025-03-11. Review status: criteria provided, single submitter. Criteria: Invitae Variant Classification Sherloc (09022015). Collection method: clinical testing. Allele origin: germline.
Comment: This sequence change replaces leucine, which is neutral and non-polar, with valine, which is neutral and non-polar, at codon 3354 of the ANK2 protein (p.Leu3354Val). This variant is not present in population databases (gnomAD no frequency). This variant has not been reported in the literature in individuals affected with ANK2-related conditions. ClinVar contains an entry for this variant (Variation ID: 1409150). An algorithm developed to predict the effect of missense changes on protein structure and function outputs the following: PolyPhen-2: "Benign". The valine amino acid residue is found in multiple mammalian species, which suggests that this missense change does not adversely affect protein function. In summary, the available evidence is currently insufficient to determine the role of this variant in disease. Therefore, it has been classified as a Variant of Uncertain Significance.

Ambry Genetics
Classification: Likely benign for Cardiovascular phenotype. Last evaluated: 2021-03-30. Review status: criteria provided, single submitter. Criteria: Ambry Variant Classification Scheme 2023. Collection method: clinical testing. Allele origin: germline.